The following is an entry in ClinVar:

NM_005002.5(NDUFA9):c.552+5G>A

Gene: NDUFA9 (NADH:ubiquinone oxidoreductase subunit A9; plus strand). Cytogenetic location: 12p13.32.
Variant type: single nucleotide variant.
Coding change: c.552+5G>A on transcript NM_005002.5 (MANE Select); 5 bases into the intron after coding-DNA position 552, G replaced by A.
Molecular consequence: intron variant.
Genome position (GRCh38, 1-based): chr12:4,659,182, G>A. VCF-style: chr12-4659182-G-A. GRCh37 (hg19) VCF-style: chr12-4768348-G-A.
Other names: c.552+5G>A (NM_005002.4).
Identifiers: ClinVar variation 2176372 (VCV002176372.5), dbSNP rs372776947, ClinGen allele CA6398124.

ClinVar aggregate classification (germline): Uncertain significance. Review status: criteria provided, multiple submitters, no conflicts (2 of 4 stars). 2 submissions from 2 submitters: Uncertain significance (2). Last evaluated 2024-03-21.

Conditions:
Inborn genetic diseases. Identifiers: MedGen C0950123, MeSH D030342.

Allele frequency attached by ClinVar (database versions not stated): ExAC 0.00002; gnomAD exomes 0.00002; gnomAD 0.00023; TOPMed 0.00024; ESP Exome Variant Server 0.00038.
gnomAD v4.1: 68 of 1,608,964 alleles (0.0042%); highest among the groups gnomAD compares: African/African-American, 0.082%; no homozygotes.

Submissions (2):

Labcorp Genetics (formerly Invitae), Labcorp
Classification: Uncertain significance. Last evaluated: 2024-03-21. Review status: criteria provided, single submitter. Criteria: Invitae Variant Classification Sherloc (09022015). Collection method: clinical testing. Allele origin: germline.
Comment: This sequence change falls in intron 5 of the NDUFA9 gene. It does not directly change the encoded amino acid sequence of the NDUFA9 protein. It affects a nucleotide within the consensus splice site. This variant is present in population databases (rs372776947, gnomAD 0.03%). This variant has not been reported in the literature in individuals affected with NDUFA9-related conditions. ClinVar contains an entry for this variant (Variation ID: 2176372). Variants that disrupt the consensus splice site are a relatively common cause of aberrant splicing (PMID: 17576681, 9536098). Algorithms developed to predict the effect of sequence changes on RNA splicing suggest that this variant is not likely to affect RNA splicing. In summary, the available evidence is currently insufficient to determine the role of this variant in disease. Therefore, it has been classified as a Variant of Uncertain Significance.

Ambry Genetics
Classification: Uncertain significance for Inborn genetic diseases. Last evaluated: 2021-08-09. Review status: criteria provided, single submitter. Criteria: Ambry Variant Classification Scheme 2023. Collection method: clinical testing. Allele origin: germline.
Comment: The c.552+5G>A intronic alteration consists of a G to A substitution 5 nucleotides after exon 5 of the NDUFA9 gene. Based on insufficient or conflicting evidence, the clinical significance of this alteration remains unclear.

Literature cited by the submitters: PubMed 17576681 (cited by Labcorp Genetics (formerly Invitae), Labcorp); PubMed 9536098 (cited by Labcorp Genetics (formerly Invitae), Labcorp).